The following is an entry in ClinVar:

ClinVar aggregate classification (germline): Likely benign (1 of 4 stars; one submission).

Allele frequency attached by ClinVar (database versions not stated): ExAC below 0.00001; gnomAD below 0.00001 and 0.00003; 1000 Genomes Project 30x 0.00016; 1000 Genomes Project 0.00020.
gnomAD v4.1: 87 of 1,246,006 alleles (0.007%); highest among the groups gnomAD compares: South Asian, 0.09%; no homozygotes.

Submission:

GeneDx
Classification: Likely benign. Last evaluated: 2016-07-22. Review status: criteria provided, single submitter. Criteria: GeneDx Variant Classification (06012015). Collection method: clinical testing. Allele origin: germline. Affected: yes.
Comment: This variant is considered likely benign or benign based on one or more of the following criteria: it is a conservative change, it occurs at a poorly conserved position in the protein, it is predicted to be benign by multiple in silico algorithms, and/or has population frequency not consistent with disease.

NM_001035.3(RYR2):c.-30G>C

Gene: RYR2 (ryanodine receptor 2; plus strand). Cytogenetic location: 1q43.
Variant type: single nucleotide variant.
Coding change: c.-30G>C on transcript NM_001035.3 (MANE Select); 30 bases upstream of the start codon, G replaced by C.
Molecular consequence: 5 prime UTR variant.
Genome position (GRCh38, 1-based): chr1:237,042,492, G>C. VCF-style: chr1-237042492-G-C. GRCh37 (hg19) VCF-style: chr1-237205792-G-C.
Other names: c.-30G>C (LRG_402t1).
Identifiers: ClinVar variation 387957 (VCV000387957.1), dbSNP rs545119721, ClinGen allele CA086303.
Genomic context (GRCh38, chr1:237,042,492, plus strand): 5'-CAGCAGAAGCAGAAGGCAGCGCCAGGGGCCGCCGCCGCCGCCGAGCTCCGCGGGGCTCGG[G>C]AGCCGGCCCCGGCGAGGAGGCGCGGAACCATGGCCGATGGGGGCGAGGGCGAAGACGAGA-3'